The following is an entry in ClinVar:

NM_000465.4(BARD1):c.810del (p.Glu270fs)

Gene: BARD1 (BRCA1 associated RING domain 1; minus strand). Cytogenetic location: 2q35.
Variant type: Deletion.
Coding change: c.810del on transcript NM_000465.4 (MANE Select); coding-DNA position 810, one base deleted (A; older notation c.810delA).
Protein change: p.Glu270fs; shifts the reading frame from glutamic acid 270.
Molecular consequence: frameshift variant. On other transcripts: non-coding transcript variant (2), intron variant (3).
Genome position (GRCh38, 1-based): chr2:214,781,064, T deleted on the plus strand (A on the coding strand, the reverse complement: BARD1 is on the minus strand); the first of 2 consecutive T bases (chr2:214,781,064-214,781,065); deleting either gives the same sequence. VCF-style (leftmost placement, unchanged base first): chr2-214781063-AT-A. GRCh37 (hg19) VCF-style: chr2-215645787-AT-A.
Other names: c.753del, p.Glu251fs (NM_001282543.2); c.158+28348del (NM_001282548.2); c.215+15997del (NM_001282545.2); c.364+11233del (NM_001282549.2); short protein forms E270fs, E251fs.
Identifiers: ClinVar variation 2108093 (VCV002108093.5), dbSNP rs2469507940, ClinGen allele CA2580065677.

ClinVar aggregate classification (germline): Pathogenic. Review status: criteria provided, multiple submitters, no conflicts (2 of 4 stars). 2 submissions from 2 submitters: Pathogenic (2). Last evaluated 2023-01-10.

Conditions:
Familial cancer of breast. Also called: hereditary breast carcinoma; BREAST CANCER, FAMILIAL; Hereditary breast cancer. Identifiers: Orphanet 227535, MedGen C0346153, MONDO:0016419, OMIM 114480. Disease mechanism: loss of function.

Submissions (2):

Myriad Genetics, Inc.
Classification: Pathogenic for Familial cancer of breast. Last evaluated: 2023-01-10. Review status: criteria provided, single submitter. Criteria: Myriad Autosomal Dominant, Autosomal Recessive and X-Linked Classification Criteria (2023). Collection method: clinical testing. Allele origin: unknown.
Comment: This variant is considered pathogenic. This variant creates a frameshift predicted to result in premature protein truncation.

Labcorp Genetics (formerly Invitae), Labcorp
Classification: Pathogenic for Familial cancer of breast. Last evaluated: 2022-10-17. Review status: criteria provided, single submitter. Criteria: Invitae Variant Classification Sherloc (09022015). Collection method: clinical testing. Allele origin: germline.
Comment: This sequence change creates a premature translational stop signal (p.Glu270Aspfs*6) in the BARD1 gene. It is expected to result in an absent or disrupted protein product. Loss-of-function variants in BARD1 are known to be pathogenic (PMID: 20077502, 21344236). For these reasons, this variant has been classified as Pathogenic. This variant has not been reported in the literature in individuals affected with BARD1-related conditions. This variant is not present in population databases (gnomAD no frequency).

Literature cited by the submitters: PubMed 20077502 (cited by Labcorp Genetics (formerly Invitae), Labcorp); PubMed 21344236 (cited by Labcorp Genetics (formerly Invitae), Labcorp).